The following is an entry in ClinVar:

ClinVar aggregate classification (germline): Uncertain significance (1 of 4 stars; one submission).

Submission:

GeneDx
Classification: Uncertain significance. Last evaluated: 2026-04-29. Review status: criteria provided, single submitter. Criteria: GeneDx Variant Classification Process June 2021. Collection method: clinical testing. Allele origin: germline.
Comment: Not observed at significant frequency in large population cohorts (gnomAD); In silico analysis supports that this missense variant has a deleterious effect on protein structure/function; Has not been previously published as pathogenic or benign to our knowledge; In silico analysis supports that this missense variant has a deleterious effect on protein structure/function

NM_006766.5(KAT6A):c.1597A>G (p.Arg533Gly)

Gene: KAT6A (lysine acetyltransferase 6A; minus strand). Cytogenetic location: 8p11.21.
Variant type: single nucleotide variant.
Coding change: c.1597A>G on transcript NM_006766.5 (MANE Select); coding-DNA position 1597, A replaced by G.
Protein change: p.Arg533Gly; replaces arginine 533 with glycine.
Molecular consequence: missense variant.
Genome position (GRCh38, 1-based): chr8:41,955,297, T>C on the plus strand (A>G on the coding strand, the complement: KAT6A is on the minus strand). VCF-style: chr8-41955297-T-C. GRCh37 (hg19) VCF-style: chr8-41812815-T-C.
Other names: c.1597A>G, p.Arg533Gly (NM_001305878.2); short protein forms R533G.
Identifiers: ClinVar variation 3765905 (VCV003765905.2).